The following is an entry in ClinVar:

ClinVar aggregate classification (germline): Uncertain significance. Review status: criteria provided, multiple submitters, no conflicts (2 of 4 stars). 2 submissions from 2 submitters: Uncertain significance (2). Last evaluated 2022-08-03.

Conditions:
Lipoic acid synthetase deficiency. Also called: HYPERGLYCINEMIA, LACTIC ACIDOSIS, AND SEIZURES. Identifiers: Orphanet 401859, MedGen C3280887, MONDO:0013762, OMIM 614462.

Allele frequency attached by ClinVar (database versions not stated): gnomAD exomes 0.00002; TOPMed 0.00003; ExAC 0.00002; gnomAD 0.00003.
gnomAD v4.1: 133 of 1,613,170 alleles (0.0082%); highest among the groups gnomAD compares: Non-Finnish European, 0.011%; no homozygotes.

Submissions (2):

Labcorp Genetics (formerly Invitae), Labcorp
Classification: Uncertain significance for Lipoic acid synthetase deficiency. Last evaluated: 2022-08-03. Review status: criteria provided, single submitter. Criteria: Invitae Variant Classification Sherloc (09022015). Collection method: clinical testing. Allele origin: germline.
Comment: This sequence change replaces asparagine, which is neutral and polar, with serine, which is neutral and polar, at codon 41 of the LIAS protein (p.Asn41Ser). This variant is present in population databases (rs761295906, gnomAD 0.003%). This variant has not been reported in the literature in individuals affected with LIAS-related conditions. ClinVar contains an entry for this variant (Variation ID: 206044). Algorithms developed to predict the effect of missense changes on protein structure and function output the following: SIFT: "Tolerated"; PolyPhen-2: "Benign"; Align-GVGD: "Class C0". The serine amino acid residue is found in multiple mammalian species, which suggests that this missense change does not adversely affect protein function. In summary, the available evidence is currently insufficient to determine the role of this variant in disease. Therefore, it has been classified as a Variant of Uncertain Significance.

GeneDx
Classification: Uncertain significance. Last evaluated: 2014-03-06. Review status: criteria provided, single submitter. Criteria: GeneDx Variant Classification (06012015). Collection method: clinical testing. Allele origin: germline. Affected: yes.
Comment: p.Asn41Ser (AAT>AGT): c.122 A>G in exon 2 of the LIAS gene (NM_006859.2). A variant of unknown significance has been identified in the LIAS gene. The Asn41Ser variant has not been published as a mutation, nor has it been reported as a benign polymorphism to our knowledge. It was not observed in approximately 6,500 individuals of European and African American ancestry in the NHLBI Exome Sequencing Project, indicating it is not a common benign variant in these populations. The Asn41Ser variant alters a position that is conserved in mammals in the LIAS protein. However, the variant is a conservative amino acid substitution, which is not likely to impact secondary protein structure as these residues share similar properties, and in silico analysis predicts this variant likely does not alter the protein structure/function. Therefore, based on the currently available information, it is unclear whether this variant is a pathogenic mutation or a rare benign variant. The variant is found in EPILEPSY panel(s).

NM_006859.4(LIAS):c.122A>G (p.Asn41Ser)

Gene: LIAS (lipoic acid synthetase; plus strand). Cytogenetic location: 4p14.
Variant type: single nucleotide variant.
Coding change: c.122A>G on transcript NM_006859.4 (MANE Select); coding-DNA position 122, A replaced by G.
Protein change: p.Asn41Ser; replaces asparagine 41 with serine.
Molecular consequence: missense variant.
Genome position (GRCh38, 1-based): chr4:39,460,866, A>G. VCF-style: chr4-39460866-A-G. GRCh37 (hg19) VCF-style: chr4-39462486-A-G.
Other names: p.N41S:AAT>AGT; c.122A>G, p.Asn41Ser (NM_001278590.2, NM_001278591.2, NM_001278592.2 and 2 more transcripts); short protein forms N41S.
Identifiers: ClinVar variation 206044 (VCV000206044.5), dbSNP rs761295906, ClinGen allele CA315749.
Genomic context (GRCh38, chr4:39,460,866, plus strand): 5'-TTTGCAGCCCAGTCAGACCGTTAAGCTCCTTGCCAGATAAAAAAAAGGAACTCCTACAGA[A>G]TGGACCAGACCTTCAAGATTTTGTATCTGGTGATCTTGCAGACAGGAGCACCTGGGATGA-3'
Protein context (NP_006850.2, residues 31-51): LPDKKKELLQ[Asn41Ser]GPDLQDFVSG